The following is an entry in ClinVar:

ClinVar aggregate classification (germline): Likely benign (1 of 4 stars; one submission).

gnomAD v4.1: 1 of 1,613,258 alleles (0.000062%); no homozygotes.

Submission:

CeGaT Center for Human Genetics Tuebingen
Classification: Likely benign. Last evaluated: 2026-04-01. Review status: criteria provided, single submitter. Criteria: CeGaT Center For Human Genetics Tuebingen Variant Classification Criteria Version 2. Collection method: clinical testing. Allele origin: germline. Affected: yes. Observed: 1 variant allele.
Comment: RAB3GAP2: BP4, BP7

NM_012414.4(RAB3GAP2):c.1005A>G (p.Ala335=)

Gene: RAB3GAP2 (RAB3 GTPase activating non-catalytic protein subunit 2; minus strand). Cytogenetic location: 1q41.
Variant type: single nucleotide variant.
Coding change: c.1005A>G on transcript NM_012414.4 (MANE Select); coding-DNA position 1005, A replaced by G.
Protein change: p.Ala335=; no amino-acid change (alanine 335 retained).
Molecular consequence: synonymous variant.
Genome position (GRCh38, 1-based): chr1:220,195,333, T>C on the plus strand (A>G on the coding strand, the complement: RAB3GAP2 is on the minus strand). VCF-style: chr1-220195333-T-C. GRCh37 (hg19) VCF-style: chr1-220368675-T-C.
Identifiers: ClinVar variation 4874696 (VCV004874696.2).